The following is an entry in ClinVar:

NM_000051.4(ATM):c.6335del (p.Cys2112fs)

Genes: ATM (ATM serine/threonine kinase; plus strand), C11orf65 (chromosome 11 open reading frame 65; minus strand). Cytogenetic location: 11q22.3.
Variant type: Deletion.
Coding change: c.6335del on transcript NM_000051.4 (MANE Select); coding-DNA position 6335, one base deleted (G; older notation c.6335delG).
Protein change: p.Cys2112fs; shifts the reading frame from cysteine 2112.
Molecular consequence: frameshift variant. On other transcripts: intron variant (2).
Genome position (GRCh38, 1-based): chr11:108,317,509, G deleted. VCF-style (leftmost placement, unchanged base first): chr11-108317508-TG-T. GRCh37 (hg19) VCF-style: chr11-108188235-TG-T.
Other names: c.6335del, p.Cys2112fs (NM_001351834.2); c.641-8438del (NM_001330368.2); c.*39-8438del (NM_001351110.2); short protein forms C2112fs.
Identifiers: ClinVar variation 3148466 (VCV003148466.2), dbSNP rs2547117327, ClinGen allele CA2825001860.
Genomic context (GRCh38, chr11:108,317,508, plus strand): 5'-TGTCCTGAACTAGAAGAACTTCATTACCAAGCAGCATGGAGGAATATGCAGTGGGACCAT[TG>T]CACTTCCGTCAGGTAAGAAATTTGACTTGATTTTTTTTTTTTTGCCTCTCTCCTCATTCT-3'

ClinVar aggregate classification (germline): Pathogenic. Review status: criteria provided, multiple submitters, no conflicts (2 of 4 stars). 2 submissions from 2 submitters: Pathogenic (2). Last evaluated 2024-08-22.

Conditions:
Familial cancer of breast. Also called: hereditary breast carcinoma; BREAST CANCER, FAMILIAL; Hereditary breast cancer. Identifiers: Orphanet 227535, MedGen C0346153, MONDO:0016419, OMIM 114480. Disease mechanism: loss of function.
Hereditary cancer-predisposing syndrome. Also called: Tumor predisposition; Hereditary Cancer Syndrome; Hereditary neoplastic syndrome; Neoplastic Syndromes, Hereditary. Identifiers: Orphanet 140162, MedGen C0027672, MeSH D009386, MONDO:0015356.

Submissions (2):

Ambry Genetics
Classification: Pathogenic for Hereditary cancer-predisposing syndrome. Last evaluated: 2024-08-22. Review status: criteria provided, single submitter. Criteria: Ambry Variant Classification Scheme 2023. Collection method: clinical testing. Allele origin: germline.
Comment: The c.6335delG pathogenic mutation, located in coding exon 42 of the ATM gene, results from a deletion of one nucleotide at nucleotide position 6335, causing a translational frameshift with a predicted alternate stop codon (p.C2112Sfs*8). This variant is considered to be rare based on population cohorts in the Genome Aggregation Database (gnomAD). This alteration is expected to result in loss of function by premature protein truncation or nonsense-mediated mRNA decay. As such, this alteration is interpreted as a disease-causing mutation.

Myriad Genetics, Inc.
Classification: Pathogenic for Familial cancer of breast. Last evaluated: 2024-01-29. Review status: criteria provided, single submitter. Criteria: Myriad Autosomal Dominant, Autosomal Recessive and X-Linked Classification Criteria (2023). Collection method: clinical testing. Allele origin: unknown.
Comment: This variant is considered pathogenic. This variant creates a frameshift predicted to result in premature protein truncation.